The following is an entry in ClinVar:

ClinVar aggregate classification (germline): Uncertain significance. Review status: criteria provided, multiple submitters, no conflicts (2 of 4 stars). 3 submissions from 3 submitters: Uncertain significance (3). Last evaluated 2023-06-12.

Conditions:
Severe early-onset pulmonary alveolar proteinosis due to MARS deficiency. Also called: PULMONARY ALVEOLAR PROTEINOSIS, REUNION ISLAND; Interstitial lung and liver disease. Identifiers: Orphanet 440427, MedGen C4225400, MONDO:0014206, OMIM 615486.
Charcot-Marie-Tooth disease axonal type 2U. Also called: CHARCOT-MARIE-TOOTH NEUROPATHY, TYPE 2U; CHARCOT-MARIE-TOOTH DISEASE, AXONAL, AUTOSOMAL DOMINANT, TYPE 2U. Identifiers: Orphanet 397735, MedGen C4084821, MONDO:0014566, OMIM 616280.

Allele frequency attached by ClinVar (database versions not stated): gnomAD 0.00001; TOPMed 0.00001.
gnomAD v4.1: 1 of 1,607,804 alleles (0.000062%); highest among the groups gnomAD compares: Admixed American, 0.0017%; no homozygotes.

Submissions (3):

Mayo Clinic Laboratories, Mayo Clinic
Classification: Uncertain significance. Last evaluated: 2023-06-12. Review status: criteria provided, single submitter. Criteria: ACMG Guidelines, 2015. Collection method: clinical testing. Allele origin: germline. Observed: 1 variant allele.
Comment: PM2

Labcorp Genetics (formerly Invitae), Labcorp
Classification: Uncertain significance for Charcot-Marie-Tooth disease axonal type 2U; Severe early-onset pulmonary alveolar proteinosis due to MARS deficiency. Last evaluated: 2023-02-21. Review status: criteria provided, single submitter. Criteria: Invitae Variant Classification Sherloc (09022015). Collection method: clinical testing. Allele origin: germline.
Comment: Experimental studies and prediction algorithms are not available or were not evaluated, and the functional significance of this variant is currently unknown. In summary, the available evidence is currently insufficient to determine the role of this variant in disease. Therefore, it has been classified as a Variant of Uncertain Significance. ClinVar contains an entry for this variant (Variation ID: 1800209). This variant has not been reported in the literature in individuals affected with MARS-related conditions. This variant is not present in population databases (gnomAD no frequency). This sequence change replaces glycine, which is neutral and non-polar, with arginine, which is basic and polar, at codon 888 of the MARS protein (p.Gly888Arg).

Ambry Genetics
Classification: Uncertain significance. Last evaluated: 2020-04-13. Review status: criteria provided, single submitter. Criteria: Ambry Variant Classification Scheme 2023. Collection method: clinical testing. Allele origin: germline.
Comment: The p.G888R variant (also known as c.2662G>A), located in coding exon 21 of the MARS gene, results from a G to A substitution at nucleotide position 2662. The glycine at codon 888 is replaced by arginine, an amino acid with dissimilar properties. This amino acid position is highly conserved in available vertebrate species. In addition, this alteration is predicted to be deleterious by in silico analysis. Since supporting evidence is limited at this time, the clinical significance of this alteration remains unclear.

NM_004990.4(MARS1):c.2662G>A (p.Gly888Arg)

Gene: MARS1 (methionyl-tRNA synthetase 1; plus strand). Cytogenetic location: 12q13.3.
Variant type: single nucleotide variant.
Coding change: c.2662G>A on transcript NM_004990.4 (MANE Select); coding-DNA position 2662, G replaced by A.
Protein change: p.Gly888Arg; replaces glycine 888 with arginine.
Molecular consequence: missense variant.
Genome position (GRCh38, 1-based): chr12:57,516,540, G>A. VCF-style: chr12-57516540-G-A. GRCh37 (hg19) VCF-style: chr12-57910323-G-A.
Other names: p.Gly888Arg; short protein forms G888R.
Identifiers: ClinVar variation 1800209 (VCV001800209.6), dbSNP rs1877847135, ClinGen allele CA385469258.